The following is an entry in ClinVar:

NM_014249.4(NR2E3):c.138G>C (p.Gln46His)

Gene: NR2E3 (nuclear receptor subfamily 2 group E member 3; plus strand). Cytogenetic location: 15q23.
Variant type: single nucleotide variant.
Coding change: c.138G>C on transcript NM_014249.4 (MANE Select); coding-DNA position 138, G replaced by C.
Protein change: p.Gln46His; replaces glutamine 46 with histidine.
Molecular consequence: missense variant.
Genome position (GRCh38, 1-based): chr15:71,811,502, G>C. VCF-style: chr15-71811502-G-C. GRCh37 (hg19) VCF-style: chr15-72103842-G-C.
Other names: c.138G>C, p.Gln46His (NM_016346.4); short protein forms Q46H.
Identifiers: ClinVar variation 1310560 (VCV001310560.2), dbSNP rs1595955883, ClinGen allele CA393031967.

ClinVar aggregate classification (germline): Uncertain significance (1 of 4 stars; one submission).

gnomAD v4.1: 1 of 1,562,678 alleles (0.000064%); highest among the groups gnomAD compares: Non-Finnish European, 0.000087%; no homozygotes.

Submission:

GeneDx
Classification: Uncertain significance. Last evaluated: 2019-12-04. Review status: criteria provided, single submitter. Criteria: GeneDx Variant Classification Process June 2021. Collection method: clinical testing. Allele origin: germline. Affected: yes.
Comment: Not observed in large population cohorts (Lek et al., 2016); In silico analysis, which includes protein predictors and evolutionary conservation, supports that this variant does not alter protein structure/function; Has not been previously published as pathogenic or benign to our knowledge